The following is an entry in ClinVar:

ClinVar aggregate classification (germline): Uncertain significance (1 of 4 stars; one submission).

Conditions:
Oligodontia-cancer predisposition syndrome. Also called: TOOTH AGENESIS-COLORECTAL CANCER SYNDROME. Identifiers: Orphanet 300576, MedGen C1837750, MONDO:0012075, OMIM 608615. Disease mechanism: loss of function.

Submission:

Labcorp Genetics (formerly Invitae), Labcorp
Classification: Uncertain significance for Oligodontia-cancer predisposition syndrome. Last evaluated: 2022-07-16. Review status: criteria provided, single submitter. Criteria: Invitae Variant Classification Sherloc (09022015). Collection method: clinical testing. Allele origin: germline.
Comment: This sequence change replaces serine, which is neutral and polar, with alanine, which is neutral and non-polar, at codon 348 of the AXIN2 protein (p.Ser348Ala). This variant is not present in population databases (gnomAD no frequency). This variant has not been reported in the literature in individuals affected with AXIN2-related conditions. Algorithms developed to predict the effect of missense changes on protein structure and function are either unavailable or do not agree on the potential impact of this missense change (SIFT: "Deleterious"; PolyPhen-2: "Benign"; Align-GVGD: "Class C25"). In summary, the available evidence is currently insufficient to determine the role of this variant in disease. Therefore, it has been classified as a Variant of Uncertain Significance.

NM_004655.4(AXIN2):c.1042T>G (p.Ser348Ala)

Gene: AXIN2 (axin 2; minus strand). Cytogenetic location: 17q24.1.
Variant type: single nucleotide variant.
Coding change: c.1042T>G on transcript NM_004655.4 (MANE Select); coding-DNA position 1042, T replaced by G.
Protein change: p.Ser348Ala; replaces serine 348 with alanine.
Molecular consequence: missense variant.
Genome position (GRCh38, 1-based): chr17:65,541,472, A>C on the plus strand (T>G on the coding strand, the complement: AXIN2 is on the minus strand). VCF-style: chr17-65541472-A-C. GRCh37 (hg19) VCF-style: chr17-63537590-A-C.
Other names: c.1042T>G, p.Ser348Ala (NM_001363813.1); short protein forms S348A.
Identifiers: ClinVar variation 1716218 (VCV001716218.5), dbSNP rs142726686, ClinGen allele CA400679131.
Genomic context (GRCh38, chr17:65,541,472, plus strand): 5'-CATGGCAGAAAACAGCTGTCTCCTCACTCCAGACTGTACTCACCGGGAAATGAGGTAGAG[A>C]CACTTGGCCATTGGCCTTCACACTGCGATGCATTTCTCTCTGGAGCTGTTTCTTACTGCC-3'
Protein context (NP_004646.3, residues 338-358): HRSVKANGQV[Ser348Ala]LPHFPRTHRL